The following is an entry in ClinVar:

NM_024312.5(GNPTAB):c.3364G>A (p.Ala1122Thr)

Gene: GNPTAB (N-acetylglucosamine-1-phosphate transferase subunits alpha and beta; minus strand). Cytogenetic location: 12q23.2.
Variant type: single nucleotide variant.
Coding change: c.3364G>A on transcript NM_024312.5 (MANE Select); coding-DNA position 3364, G replaced by A.
Protein change: p.Ala1122Thr; replaces alanine 1122 with threonine.
Molecular consequence: missense variant.
Genome position (GRCh38, 1-based): chr12:101,757,282, C>T on the plus strand (G>A on the coding strand, the complement: GNPTAB is on the minus strand). VCF-style: chr12-101757282-C-T. GRCh37 (hg19) VCF-style: chr12-102151060-C-T.
Other names: short protein forms A1122T.
Identifiers: ClinVar variation 2140491 (VCV002140491.2), dbSNP rs774443381, ClinGen allele CA6746168.

ClinVar aggregate classification (germline): Uncertain significance. Review status: criteria provided, multiple submitters, no conflicts (2 of 4 stars). 2 submissions from 2 submitters: Uncertain significance (2). Last evaluated 2022-07-26.

Conditions:
Mucolipidosis type II. Also called: Mucolipidosis 2; ML 2; Inclusion cell disease; Leroy Disease; N-acetylglucosamine 1phosphotransferase deficiency; ML disorder type 2. Identifiers: Orphanet 576, MedGen C2673377, MONDO:0009650, OMIM 252500.
Pseudo-Hurler polydystrophy. Also called: ML IIIA; Mucolipidosis III Alpha/Beta; MUCOLIPIDOSIS IIIA; ML III; ML III ALPHA/BETA; Type III Mucolipidosis. Identifiers: Orphanet 423461, Orphanet 577, MedGen C0033788, MONDO:0018931, OMIM 252600.

Allele frequency attached by ClinVar (database versions not stated): gnomAD exomes 0.00001; gnomAD 0.00004; TOPMed 0.00004; ExAC 0.00003.
gnomAD v4.1: 26 of 1,607,150 alleles (0.0016%); highest among the groups gnomAD compares: East Asian, 0.0045%; no homozygotes.

Submissions (2):

Labcorp Genetics (formerly Invitae), Labcorp
Classification: Uncertain significance for Pseudo-Hurler polydystrophy; Mucolipidosis type II. Last evaluated: 2022-07-26. Review status: criteria provided, single submitter. Criteria: Invitae Variant Classification Sherloc (09022015). Collection method: clinical testing. Allele origin: germline.
Comment: This sequence change replaces alanine, which is neutral and non-polar, with threonine, which is neutral and polar, at codon 1122 of the GNPTAB protein (p.Ala1122Thr). This variant is present in population databases (rs774443381, gnomAD 0.02%). This variant has not been reported in the literature in individuals affected with GNPTAB-related conditions. Advanced modeling of protein sequence and biophysical properties (such as structural, functional, and spatial information, amino acid conservation, physicochemical variation, residue mobility, and thermodynamic stability) performed at Invitae indicates that this missense variant is not expected to disrupt GNPTAB protein function. In summary, the available evidence is currently insufficient to determine the role of this variant in disease. Therefore, it has been classified as a Variant of Uncertain Significance.

Department of Pathology and Laboratory Medicine, Sinai Health System
Classification: Uncertain significance for Mucolipidosis type II; Pseudo-Hurler polydystrophy. Last evaluated: 2021-07-30. Review status: criteria provided, single submitter. Criteria: ACMG Guidelines, 2015. Collection method: research. Allele origin: germline.